The following is an entry in ClinVar:

NM_024996.7(GFM1):c.720del (p.Glu241fs)

Gene: GFM1 (G elongation factor mitochondrial 1; plus strand). Cytogenetic location: 3q25.32.
Variant type: Deletion.
Coding change: c.720del on transcript NM_024996.7 (MANE Select); coding-DNA position 720, one base deleted (T; older notation c.720delT).
Protein change: p.Glu241fs; shifts the reading frame from glutamic acid 241.
Molecular consequence: frameshift variant. On other transcripts: non-coding transcript variant (4).
Genome position (GRCh38, 1-based): chr3:158,652,126, T deleted. VCF-style (leftmost placement, unchanged base first): chr3-158652125-CT-C. GRCh37 (hg19) VCF-style: chr3-158369914-CT-C.
Other names: c.777delT (NM_001308164.1); c.720delT (NM_024996.5); c.777del, p.Glu260fs (NM_001308164.2, NM_001374355.1); c.720del, p.Glu241fs (NM_001308166.2); c.603del, p.Glu202fs (NM_001374356.1); c.495del, p.Glu166fs (NM_001374357.1); c.261del, p.Glu88fs (NM_001374358.1); c.153del, p.Glu52fs (NM_001374359.1, NM_001374360.1); and 1 more; short protein forms E260fs, E241fs, E52fs, E166fs, E202fs, E13fs, E88fs.
Identifiers: ClinVar variation 653852 (VCV000653852.27), dbSNP rs745718158, ClinGen allele CA2682408.

ClinVar aggregate classification (germline): Pathogenic/Likely pathogenic. Review status: criteria provided, multiple submitters, no conflicts (2 of 4 stars). 8 submissions from 8 submitters: Pathogenic (7); Likely pathogenic (1). Last evaluated 2025-11-18.

Conditions:
GFM1-related disorder. Also called: GFM1-related condition.
Hepatoencephalopathy due to combined oxidative phosphorylation defect type 1. Also called: HEPATOENCEPHALOPATHY, EARLY FATAL PROGRESSIVE. Identifiers: Orphanet 137681, MedGen C1836797, MONDO:0012191, OMIM 609060.
GFM1-related disorders.

Allele frequency attached by ClinVar (database versions not stated): gnomAD exomes 0.00002 and 0.00012; gnomAD 0.00003 and 0.00004; TOPMed 0.00003; ESP Exome Variant Server 0.00008; ExAC 0.00002.

Submissions (8):

Natera, Inc.
Classification: Pathogenic for Combined oxidative phosphorylation deficiency 1. Last evaluated: 2025-11-18. Review status: criteria provided, single submitter. Criteria: Natera Variant Classification Schema (03/2026). Collection method: clinical testing. Allele origin: germline.
Comment: The c.720delT variant in GFM1 is a frameshift variant predicted to shift the reading frame beginning at codon 241 and leads to a stop codon 2 codons downstream. This variant is expected to result in nonsense mediated decay, truncation, or a dysfunctional protein product. This variant is rare in the general population with a frequency below the threshold expected for the associated phenotype(s). This variant has been observed in one or more individuals affected with the associated recessive disease, as either homozygous or compound heterozygous with a second variant (PMID: 22277967). Given the available evidence, this variant is classified as Pathogenic.

CeGaT Center for Human Genetics Tuebingen
Classification: Pathogenic. Last evaluated: 2025-10-01. Review status: criteria provided, single submitter. Criteria: CeGaT Center For Human Genetics Tuebingen Variant Classification Criteria Version 2. Collection method: clinical testing. Allele origin: germline. Affected: yes. Observed: 2 variant alleles.
Comment: GFM1: PVS1, PM3:Strong, PM2

GeneDx
Classification: Pathogenic. Last evaluated: 2025-09-30. Review status: criteria provided, single submitter. Criteria: GeneDx Variant Classification Process June 2021. Collection method: clinical testing. Allele origin: germline.
Comment: Frameshift variant predicted to result in protein truncation or nonsense mediated decay in a gene for which loss of function is a known mechanism of disease; Not observed at significant frequency in large population cohorts (gnomAD); This variant is associated with the following publications: (PMID: 26937387, 22277967)

PreventionGenetics, part of Exact Sciences
Classification: Likely pathogenic for GFM1-related condition. Last evaluated: 2025-07-01. Review status: criteria provided, single submitter. Criteria: ACMG Guidelines, 2015. Collection method: clinical testing. Allele origin: germline.
Comment: The GFM1 c.777delT variant is predicted to result in a frameshift and premature protein termination (p.Glu260Asnfs*2). This variant was reported in compound heterozygous state in two unrelated individuals with mitochondrial encephalopathy (Table 3, Calvo et al. 2012. PubMed ID: 22277967, reported as c.720delT). This variant is reported in 0.0044% of alleles in individuals of European (Non-Finnish) descent in gnomAD. Frameshift variants in GFM1 are expected to be pathogenic. This variant is interpreted as likely pathogenic.

Labcorp Genetics (formerly Invitae), Labcorp
Classification: Pathogenic. Last evaluated: 2024-11-11. Review status: criteria provided, single submitter. Criteria: Invitae Variant Classification Sherloc (09022015). Collection method: clinical testing. Allele origin: germline.
Comment: This sequence change creates a premature translational stop signal (p.Glu241Asnfs*2) in the GFM1 gene. It is expected to result in an absent or disrupted protein product. Loss-of-function variants in GFM1 are known to be pathogenic (PMID: 16632485, 17160893). This variant is present in population databases (rs745718158, gnomAD 0.004%). This premature translational stop signal has been observed in individuals with complex IV deficiency or combined oxidative phosphorylation deficiency (PMID: 22277967). ClinVar contains an entry for this variant (Variation ID: 653852). For these reasons, this variant has been classified as Pathogenic.

Fulgent Genetics
Classification: Pathogenic for Hepatoencephalopathy due to combined oxidative phosphorylation defect type 1. Last evaluated: 2024-04-11. Review status: criteria provided, single submitter. Criteria: ACMG Guidelines, 2015. Collection method: clinical testing. Allele origin: germline.

Blueprint Genetics
Classification: Pathogenic for GFM1-related disorders. Last evaluated: 2023-11-13. Review status: criteria provided, single submitter. Criteria: ACMG Guidelines, 2015. Collection method: clinical testing. Allele origin: germline. Affected: yes. Observed: 5 variant alleles.

Greenwood Genetic Center Diagnostic Laboratories, Greenwood Genetic Center
Classification: Pathogenic. Last evaluated: 2020-12-08. Review status: criteria provided, single submitter. Criteria: ACMG Guidelines, 2015. Collection method: clinical testing. Allele origin: germline. Affected: yes.
Comment: PVS1, PS3, PM2

Literature cited by the submitters: PubMed 22277967 (cited by Natera, Inc. and Labcorp Genetics (formerly Invitae), Labcorp); PubMed 16632485 (cited by Labcorp Genetics (formerly Invitae), Labcorp); PubMed 17160893 (cited by Labcorp Genetics (formerly Invitae), Labcorp).